The following is an entry in ClinVar:

NM_000501.4(ELN):c.890G>T (p.Gly297Val)

Gene: ELN (elastin; plus strand). Cytogenetic location: 7q11.23.
Variant type: single nucleotide variant.
Coding change: c.890G>T on transcript NM_000501.4 (MANE Select); coding-DNA position 890, G replaced by T.
Protein change: p.Gly297Val; replaces glycine 297 with valine.
Molecular consequence: missense variant.
Genome position (GRCh38, 1-based): chr7:74,051,924, G>T. VCF-style: chr7-74051924-G-T. GRCh37 (hg19) VCF-style: chr7-73466254-G-T.
Other names: c.860G>T, p.Gly287Val (NM_001081752.3, NM_001278917.2); c.905G>T, p.Gly302Val (NM_001081753.3, NM_001081754.3); c.890G>T, p.Gly297Val (NM_001081755.3, NM_001278912.2, NM_001278915.2 and 1 more transcripts); c.782G>T, p.Gly261Val (NM_001278913.2); c.875G>T, p.Gly292Val (NM_001278914.2); c.848G>T, p.Gly283Val (NM_001278916.2); c.758G>T, p.Gly253Val (NM_001278918.2); short protein forms G283V, G302V, G253V, G297V, G261V, G292V, G287V.
Identifiers: ClinVar variation 3781308 (VCV003781308.1).

ClinVar aggregate classification (germline): Uncertain significance (1 of 4 stars; one submission).

Submission:

GeneDx
Classification: Uncertain significance. Last evaluated: 2024-10-21. Review status: criteria provided, single submitter. Criteria: GeneDx Variant Classification Process June 2021. Collection method: clinical testing. Allele origin: germline. Affected: yes.
Comment: Not observed at significant frequency in large population cohorts (gnomAD); In silico analysis supports that this missense variant has a deleterious effect on protein structure/function; Has not been previously published as pathogenic or benign to our knowledge